The following is an entry in ClinVar:

ClinVar aggregate classification (germline): Likely pathogenic (1 of 4 stars; one submission).

Conditions:
Immunodeficiency 51 (IMD51). Also called: CANDIDIASIS, FAMILIAL, 5. Identifiers: Orphanet 1334, MedGen C4310803, MONDO:0013500, OMIM 613953.

Submission:

Labcorp Genetics (formerly Invitae), Labcorp
Classification: Likely pathogenic for Immunodeficiency 51. Last evaluated: 2021-06-15. Review status: criteria provided, single submitter. Criteria: Invitae Variant Classification Sherloc (09022015). Collection method: clinical testing. Allele origin: germline.
Comment: This variant is not present in population databases (ExAC no frequency). This sequence change affects a donor splice site in intron 6 of the IL17RA gene. It is expected to disrupt RNA splicing. Variants that disrupt the donor or acceptor splice site typically lead to a loss of protein function (PMID: 16199547), and loss-of-function variants in IL17RA are known to be pathogenic (PMID: 27930337). This variant has not been reported in the literature in individuals with IL17RA-related conditions. Algorithms developed to predict the effect of sequence changes on RNA splicing suggest that this variant may disrupt the consensus splice site, but this prediction has not been confirmed by published transcriptional studies. In summary, the currently available evidence indicates that the variant is pathogenic, but additional data are needed to prove that conclusively. Therefore, this variant has been classified as Likely Pathogenic.

Literature cited by the submitters: PubMed 16199547; PubMed 27930337.

NM_014339.7(IL17RA):c.598+1G>T

Gene: IL17RA (interleukin 17 receptor A; plus strand). Cytogenetic location: 22q11.1.
Variant type: single nucleotide variant.
Coding change: c.598+1G>T on transcript NM_014339.7 (MANE Select); the canonical splice donor site of the intron after coding-DNA position 598, G replaced by T.
Molecular consequence: splice donor variant.
Genome position (GRCh38, 1-based): chr22:17,102,044, G>T. VCF-style: chr22-17102044-G-T. GRCh37 (hg19) VCF-style: chr22-17582934-G-T.
Other names: c.598+1G>T (NM_001289905.2).
Identifiers: ClinVar variation 1518224 (VCV001518224.8), dbSNP rs759315432, ClinGen allele CA410212751.